The following is an entry in ClinVar:

ClinVar aggregate classification (germline): Uncertain significance. Review status: criteria provided, multiple submitters, no conflicts (2 of 4 stars). 2 submissions from 2 submitters: Uncertain significance (2). Last evaluated 2022-02-02.

Conditions:
Hypotonia, infantile, with psychomotor retardation and characteristic facies 2 (IHPRF2). Also called: UNC80 Deficiency. Identifiers: Orphanet 371364, Orphanet 700333, MedGen C4225203, MONDO:0014777, OMIM 616801.

Allele frequency attached by ClinVar (database versions not stated): gnomAD exomes 0.00001.

Submissions (2):

Labcorp Genetics (formerly Invitae), Labcorp
Classification: Uncertain significance. Last evaluated: 2022-02-02. Review status: criteria provided, single submitter. Criteria: Invitae Variant Classification Sherloc (09022015). Collection method: clinical testing. Allele origin: germline.
Comment: This sequence change replaces isoleucine, which is neutral and non-polar, with methionine, which is neutral and non-polar, at codon 2061 of the UNC80 protein (p.Ile2061Met). This variant is present in population databases (no rsID available, gnomAD 0.002%). This variant has not been reported in the literature in individuals affected with UNC80-related conditions. Algorithms developed to predict the effect of missense changes on protein structure and function are either unavailable or do not agree on the potential impact of this missense change (SIFT: "Not Available"; PolyPhen-2: "Probably Damaging"; Align-GVGD: "Not Available"). In summary, the available evidence is currently insufficient to determine the role of this variant in disease. Therefore, it has been classified as a Variant of Uncertain Significance.

Fulgent Genetics
Classification: Uncertain significance for Hypotonia, infantile, with psychomotor retardation and characteristic facies 2. Last evaluated: 2021-07-11. Review status: criteria provided, single submitter. Criteria: ACMG Guidelines, 2015. Collection method: clinical testing. Allele origin: unknown.

NM_001371986.1(UNC80):c.6381T>G (p.Ile2127Met)

Gene: UNC80 (unc-80 subunit of NALCN channel complex; plus strand). Cytogenetic location: 2q34.
Variant type: single nucleotide variant.
Coding change: c.6381T>G on transcript NM_001371986.1 (MANE Select); coding-DNA position 6381, T replaced by G.
Protein change: p.Ile2127Met; replaces isoleucine 2127 with methionine.
Molecular consequence: missense variant.
Genome position (GRCh38, 1-based): chr2:209,937,546, T>G. VCF-style: chr2-209937546-T-G. GRCh37 (hg19) VCF-style: chr2-210802270-T-G.
Other names: c.6183T>G, p.Ile2061Met (NM_032504.2); c.6168T>G, p.Ile2056Met (NM_182587.4); short protein forms I2127M, I2056M, I2061M.
Identifiers: ClinVar variation 1481860 (VCV001481860.6), dbSNP rs1209611309, ClinGen allele CA350771405.